The following is an entry in ClinVar:

ClinVar aggregate classification (germline): Likely pathogenic. Review status: criteria provided, single submitter (1 of 4 stars). 2 submissions from 2 submitters: Likely pathogenic (1). 1 of the submissions does not count toward it. Last evaluated 2026-01-16.

Conditions:
Retinitis pigmentosa 28 (RP28). Identifiers: Orphanet 791, MedGen C1419614, MONDO:0011630, OMIM 606068.

Allele frequency attached by ClinVar (database versions not stated): TOPMed below 0.00001; gnomAD 0.00001.

Submissions (2):

Labcorp Genetics (formerly Invitae), Labcorp
Classification: Likely pathogenic. Last evaluated: 2026-01-16. Review status: criteria provided, single submitter. Criteria: Invitae Variant Classification Sherloc (09022015). Collection method: clinical testing. Allele origin: germline.
Comment: This sequence change affects an acceptor splice site in intron 3 of the FAM161A gene. It is expected to disrupt RNA splicing. Variants that disrupt the donor or acceptor splice site typically lead to a loss of protein function (PMID: 16199547), and loss-of-function variants in FAM161A are known to be pathogenic (PMID: 20705278, 20705279, 24651477). This variant is not present in population databases (gnomAD no frequency). This variant has not been reported in the literature in individuals affected with FAM161A-related conditions. ClinVar contains an entry for this variant (Variation ID: 953498). Algorithms developed to predict the effect of sequence changes on RNA splicing suggest that this variant may disrupt the consensus splice site. In summary, the currently available evidence indicates that the variant is pathogenic, but additional data are needed to prove that conclusively. Therefore, this variant has been classified as Likely Pathogenic.

Natera, Inc.
Classification: Likely pathogenic for Retinitis pigmentosa type 28. Last evaluated: 2021-07-26. Review status: no assertion criteria provided. Collection method: clinical testing. Allele origin: germline. Not counted in ClinVar's aggregate classification.

Literature cited by the submitters: PubMed 16199547 (cited by Labcorp Genetics (formerly Invitae), Labcorp); PubMed 20705278 (cited by Labcorp Genetics (formerly Invitae), Labcorp); PubMed 20705279 (cited by Labcorp Genetics (formerly Invitae), Labcorp); PubMed 24651477 (cited by Labcorp Genetics (formerly Invitae), Labcorp).

NM_001201543.2(FAM161A):c.1584-2A>G

Gene: FAM161A (FAM161 centrosomal protein A; minus strand). Cytogenetic location: 2p15.
Variant type: single nucleotide variant.
Coding change: c.1584-2A>G on transcript NM_001201543.2 (MANE Select); the canonical splice acceptor site of the intron before coding-DNA position 1584, A replaced by G.
Molecular consequence: splice acceptor variant. On other transcripts: intron variant (1).
Genome position (GRCh38, 1-based): chr2:61,838,707, T>C on the plus strand (A>G on the coding strand, the complement: FAM161A is on the minus strand). VCF-style: chr2-61838707-T-C. GRCh37 (hg19) VCF-style: chr2-62065842-T-C.
Other names: c.1583+714A>G (NM_032180.3).
Identifiers: ClinVar variation 953498 (VCV000953498.9), dbSNP rs777319845, ClinGen allele CA346986221.
Genomic context (GRCh38, chr2:61,838,707, plus strand): 5'-GTTTAGTTAGGATCCGATTTCTCTCTTCTTCCAACATTTTCTTTTCCTCAAGTGATCTCC[T>C]GAGGGTAACAAACTAAGGCTTAATCCACTTTAAGCCAATCAGAATGTTGTTTAGCAAAGA-3'